The following is an entry in ClinVar:

ClinVar aggregate classification (germline): Uncertain significance (1 of 4 stars; one submission).

Allele frequency attached by ClinVar (database versions not stated): gnomAD exomes below 0.00001.
gnomAD v4.1: 1 of 1,613,056 alleles (0.000062%); highest among the groups gnomAD compares: Non-Finnish European, 0.000085%; no homozygotes.

Submission:

Labcorp Genetics (formerly Invitae), Labcorp
Classification: Uncertain significance. Last evaluated: 2023-04-09. Review status: criteria provided, single submitter. Criteria: Invitae Variant Classification Sherloc (09022015). Collection method: clinical testing. Allele origin: germline.
Comment: In summary, the available evidence is currently insufficient to determine the role of this variant in disease. Therefore, it has been classified as a Variant of Uncertain Significance. Advanced modeling of protein sequence and biophysical properties (such as structural, functional, and spatial information, amino acid conservation, physicochemical variation, residue mobility, and thermodynamic stability) has been performed at Invitae for this missense variant, however the output from this modeling did not meet the statistical confidence thresholds required to predict the impact of this variant on SPTBN2 protein function. This variant has not been reported in the literature in individuals affected with SPTBN2-related conditions. This variant is not present in population databases (gnomAD no frequency). This sequence change replaces proline, which is neutral and non-polar, with leucine, which is neutral and non-polar, at codon 606 of the SPTBN2 protein (p.Pro606Leu).

NM_006946.4(SPTBN2):c.1817C>T (p.Pro606Leu)

Gene: SPTBN2 (spectrin beta, non-erythrocytic 2; minus strand). Cytogenetic location: 11q13.2.
Variant type: single nucleotide variant.
Coding change: c.1817C>T on transcript NM_006946.4 (MANE Select); coding-DNA position 1817, C replaced by T.
Protein change: p.Pro606Leu; replaces proline 606 with leucine.
Molecular consequence: missense variant.
Genome position (GRCh38, 1-based): chr11:66,705,459, G>A on the plus strand (C>T on the coding strand, the complement: SPTBN2 is on the minus strand). VCF-style: chr11-66705459-G-A. GRCh37 (hg19) VCF-style: chr11-66472930-G-A.
Other names: c.1838C>T, p.Pro613Leu (NM_001411025.1); short protein forms P606L, P613L.
Identifiers: ClinVar variation 2849766 (VCV002849766.3), dbSNP rs2496300793, ClinGen allele CA381479757.